The following is an entry in ClinVar:

NM_001122955.4(BSCL2):c.766-49T>C

Genes: BSCL2 (BSCL2 lipid droplet biogenesis associated, seipin; minus strand), HNRNPUL2-BSCL2 (HNRNPUL2-BSCL2 readthrough (NMD candidate); minus strand). Cytogenetic location: 11q12.3.
Variant type: single nucleotide variant.
Coding change: c.766-49T>C on transcript NM_001122955.4 (MANE Select); 49 bases into the intron before coding-DNA position 766, T replaced by C.
Molecular consequence: intron variant.
Genome position (GRCh38, 1-based): chr11:62,692,522, A>G on the plus strand (T>C on the coding strand, the complement: BSCL2 is on the minus strand). VCF-style: chr11-62692522-A-G. GRCh37 (hg19) VCF-style: chr11-62459994-A-G.
Other names: c.574-49T>C (NM_001130702.2, NM_032667.6); c.766-49T>C (NM_001386028.1, NM_001386027.1).
Identifiers: ClinVar variation 257500 (VCV000257500.7), dbSNP rs2850597, ClinGen allele CA6053468.

ClinVar aggregate classification (germline): Benign. Review status: criteria provided, multiple submitters, no conflicts (2 of 4 stars). 7 submissions from 4 submitters: Benign (7). Last evaluated 2021-07-14.

Conditions:
Severe neurodegenerative syndrome with lipodystrophy. Also called: ENCEPHALOPATHY, PROGRESSIVE, WITH LIPODYSTROPHY; Encephalopathy, progressive, with or without lipodystrophy. Identifiers: Orphanet 363400, MedGen C4014700, MONDO:0014402, OMIM 615924.
Neuronopathy, distal hereditary motor, type 5C. Also called: DHMN VC; NEURONOPATHY, DISTAL HEREDITARY MOTOR, AUTOSOMAL DOMINANT 13; NEURONOPATHY, DISTAL HEREDITARY MOTOR, HARDING TYPE VC; NEUROPATHY, DISTAL HEREDITARY MOTOR, HARDING TYPE VC; SPINAL MUSCULAR ATROPHY, DISTAL, HARDING TYPE VC. Identifiers: MedGen C5436838, MONDO:0030860, OMIM 619112.
Hereditary spastic paraplegia 17. Also called: Silver spastic paraplegia syndrome; Spastic Paraplegia 17; Autosomal dominant spastic paraplegia type 17; Silver Syndrome; SPASTIC PARAPLEGIA WITH AMYOTROPHY OF HANDS AND FEET. Identifiers: Orphanet 100998, MedGen C2931276, MONDO:0010043, OMIM 270685.
Congenital generalized lipodystrophy type 2 (CGL2). Also called: Berardinelli-Seip Congenital Lipodystrophy Type 2; BERARDINELLI SYNDROME; BRUNZELL SYNDROME, BSCL2-RELATED; SEIP SYNDROME. Identifiers: Orphanet 528, Orphanet 696289, MedGen C1720863, MONDO:0010020, OMIM 269700.

Allele frequency attached by ClinVar (database versions not stated): gnomAD 0.75076 and 0.75278; ESP Exome Variant Server 0.73050; TOPMed 0.74747; ExAC 0.77560; 1000 Genomes Project 30x 0.74391; 1000 Genomes Project 0.74940; gnomAD exomes 0.76192 and 0.78121.

Submissions (7):

Genome-Nilou Lab
Classification: Benign for Severe neurodegenerative syndrome with lipodystrophy. Last evaluated: 2021-07-14. Review status: criteria provided, single submitter. Criteria: ACMG Guidelines, 2015. Collection method: clinical testing. Allele origin: germline. Affected: no.

Genome-Nilou Lab
Classification: Benign for Congenital generalized lipodystrophy type 2. Last evaluated: 2021-07-14. Review status: criteria provided, single submitter. Criteria: ACMG Guidelines, 2015. Collection method: clinical testing. Allele origin: germline. Affected: no.

Genome-Nilou Lab
Classification: Benign for Neuronopathy, distal hereditary motor, type 5C. Last evaluated: 2021-07-14. Review status: criteria provided, single submitter. Criteria: ACMG Guidelines, 2015. Collection method: clinical testing. Allele origin: germline. Affected: no.

Genome-Nilou Lab
Classification: Benign for Hereditary spastic paraplegia 17. Last evaluated: 2021-07-14. Review status: criteria provided, single submitter. Criteria: ACMG Guidelines, 2015. Collection method: clinical testing. Allele origin: germline. Affected: no.

GeneDx
Classification: Benign. Last evaluated: 2018-06-14. Review status: criteria provided, single submitter. Criteria: GeneDx Variant Classification (06012015). Collection method: clinical testing. Allele origin: germline. Affected: yes.
Comment: This variant is considered likely benign or benign based on one or more of the following criteria: it is a conservative change, it occurs at a poorly conserved position in the protein, it is predicted to be benign by multiple in silico algorithms, and/or has population frequency not consistent with disease.

Breakthrough Genomics
Classification: Benign. Review status: criteria provided, single submitter. Criteria: ACMG Guidelines, 2015. Collection method: not provided. Allele origin: germline. Inheritance: Autosomal recessive inheritance. Affected: yes.

PreventionGenetics, part of Exact Sciences
Classification: Benign. Review status: criteria provided, single submitter. Criteria: ACMG Guidelines, 2015. Collection method: clinical testing. Allele origin: germline.